The following is an entry in ClinVar:

ClinVar aggregate classification (germline): Uncertain significance (1 of 4 stars; one submission).

Conditions:
Inborn genetic diseases. Identifiers: MedGen C0950123, MeSH D030342.

Allele frequency attached by ClinVar (database versions not stated): TOPMed below 0.00001.
gnomAD v4.1: 5 of 1,614,058 alleles (0.00031%); highest among the groups gnomAD compares: Non-Finnish European, 0.00042%; no homozygotes.

Submission:

Ambry Genetics
Classification: Uncertain significance for Inborn genetic diseases. Last evaluated: 2021-06-12. Review status: criteria provided, single submitter. Criteria: Ambry Variant Classification Scheme 2023. Collection method: clinical testing. Allele origin: germline.
Comment: The p.A87T variant (also known as c.259G>A), located in coding exon 3 of the PRX gene, results from a G to A substitution at nucleotide position 259. The alanine at codon 87 is replaced by threonine, an amino acid with similar properties. This amino acid position is conserved. In addition, this alteration is predicted to be tolerated by in silico analysis. Since supporting evidence is limited at this time, the clinical significance of this alteration remains unclear.

NM_181882.3(PRX):c.259G>A (p.Ala87Thr)

Gene: PRX (periaxin; minus strand). Cytogenetic location: 19q13.2.
Variant type: single nucleotide variant.
Coding change: c.259G>A on transcript NM_181882.3 (MANE Select); coding-DNA position 259, G replaced by A.
Protein change: p.Ala87Thr; replaces alanine 87 with threonine.
Molecular consequence: missense variant.
Genome position (GRCh38, 1-based): chr19:40,398,742, C>T on the plus strand (G>A on the coding strand, the complement: PRX is on the minus strand). VCF-style: chr19-40398742-C-T. GRCh37 (hg19) VCF-style: chr19-40904649-C-T.
Other names: c.544G>A, p.Ala182Thr (NM_001411127.1); c.259G>A, p.Ala87Thr (NM_020956.2); short protein forms A182T, A87T.
Identifiers: ClinVar variation 1793618 (VCV001793618.2), dbSNP rs1274747511, ClinGen allele CA405901274.